The following is an entry in ClinVar:

ClinVar aggregate classification (germline): Uncertain significance (1 of 4 stars; one submission).

gnomAD v4.1: 2 of 1,596,142 alleles (0.00013%); highest among the groups gnomAD compares: Admixed American, 0.0017%; no homozygotes.

Submission:

Ambry Genetics
Classification: Uncertain significance. Last evaluated: 2026-04-22. Review status: criteria provided, single submitter. Criteria: Ambry Variant Classification Scheme 2023. Collection method: clinical testing. Allele origin: germline.
Comment: The p.A745V variant (also known as c.2234C>T), located in coding exon 10 of the WNK2 gene, results from a C to T substitution at nucleotide position 2234. The alanine at codon 745 is replaced by valine, an amino acid with similar properties. This amino acid position is conserved. In addition, this alteration is predicted to be tolerated by in silico analysis. Based on the available evidence, the clinical significance of this variant remains unclear.

NM_006648.4(WNK2):c.2234C>T (p.Ala745Val)

Gene: WNK2 (WNK lysine deficient protein kinase 2; plus strand). Cytogenetic location: 9q22.31.
Variant type: single nucleotide variant.
Coding change: c.2234C>T on transcript NM_006648.4 (MANE Select); coding-DNA position 2234, C replaced by T.
Protein change: p.Ala745Val; replaces alanine 745 with valine.
Molecular consequence: missense variant.
Genome position (GRCh38, 1-based): chr9:93,256,991, C>T. VCF-style: chr9-93256991-C-T. GRCh37 (hg19) VCF-style: chr9-96019273-C-T.
Other names: c.2234C>T, p.Ala745Val (NM_001282394.3); short protein forms A745V.
Identifiers: ClinVar variation 4866613 (VCV004866613.1).
Genomic context (GRCh38, chr9:93,256,991, plus strand): 5'-ACCTTCTCTCCCTCTAGCCTCCTCCGCTGGCCCAGCCGACACCCCTGCCGCAGGTCCTGG[C>T]CCCACAGCCCGTGGTCCCCCTCCAGCCGGTTCCCCCCCACCTGCCACCGTACCTGGCTCC-3'
Protein context (NP_006639.3, residues 735-755): AQPTPLPQVL[Ala745Val]PQPVVPLQPV